The following is an entry in ClinVar:

ClinVar aggregate classification (germline): Likely pathogenic (1 of 4 stars; one submission).

Conditions:
46,XY sex reversal 3. Also called: NR5A1-related 46,XY complete gonadal dysgenesis; 46,XY SEX REVERSAL, PARTIAL OR COMPLETE, NR5A1-RELATED; 46,XY GONADAL DYSGENESIS, PARTIAL OR COMPLETE, WITH OR WITHOUT ADRENAL FAILURE; DISORDER OF SEX DEVELOPMENT, 46,XY, NR5A1-RELATED; SEX REVERSAL, XY, WITH OR WITHOUT ADRENAL FAILURE. Identifiers: MedGen C3489793, MONDO:0013066, OMIM 612965.

Submission:

Medical Laboratory, The Third Affiliated Hospital of Shenzhen University
Classification: Likely pathogenic for 46,XY sex reversal 3. Last evaluated: 2026-07-04. Review status: criteria provided, single submitter. Criteria: ACMG Guidelines, 2015. Collection method: clinical testing. Allele origin: germline. Inheritance: Autosomal dominant inheritance. Affected: yes. Observed: 1 variant allele, 1 heterozygote.
Comment: PS2(De novo)+PS3(invitro functional studies)+PM2-supporting(Absent in population databases)+PP3(computational evidence)+PP4 (phenotype specific for 46,XY DSD)

NM_004959.5(NR5A1):c.-16+1G>A

Genes: NR5A1 (nuclear receptor subfamily 5 group A member 1; minus strand), LOC108491836 (NR5A1 5' promoter region; plus strand). Cytogenetic location: 9q33.3.
Variant type: single nucleotide variant.
Coding change: c.-16+1G>A on transcript NM_004959.5 (MANE Select); the canonical splice donor site of the intron after 16 bases upstream of the start codon, G replaced by A.
Molecular consequence: splice donor variant.
Genome position (GRCh38, 1-based): chr9:124,507,248, C>T on the plus strand (G>A on the coding strand, the complement: NR5A1 is on the minus strand). VCF-style: chr9-124507248-C-T. GRCh37 (hg19) VCF-style: chr9-127269527-C-T.
Identifiers: ClinVar variation 4887959 (VCV004887959.1).